The following is an entry in ClinVar:

NM_001329943.3(KIAA0586):c.1163A>G (p.Asn388Ser)

Gene: KIAA0586 (KIAA0586; plus strand). Cytogenetic location: 14q23.1.
Variant type: single nucleotide variant.
Coding change: c.1163A>G on transcript NM_001329943.3 (MANE Select); coding-DNA position 1163, A replaced by G.
Protein change: p.Asn388Ser; replaces asparagine 388 with serine.
Molecular consequence: missense variant.
Genome position (GRCh38, 1-based): chr14:58,453,383, A>G. VCF-style: chr14-58453383-A-G. GRCh37 (hg19) VCF-style: chr14-58920101-A-G.
Other names: c.1322A>G, p.Asn441Ser (NM_001244189.2); c.1118A>G, p.Asn373Ser (NM_001244190.2); c.908A>G, p.Asn303Ser (NM_001244191.2, NM_001329945.2, NM_001364700.1 and 1 more transcripts); c.1031A>G, p.Asn344Ser (NM_001244192.2); c.743A>G, p.Asn248Ser (NM_001244193.2); c.1163A>G, p.Asn388Ser (NM_001329944.2, NM_001329946.2, NM_001329947.2 and 1 more transcripts); short protein forms N303S, N441S, N344S, N373S, N388S, N248S.
Identifiers: ClinVar variation 2067163 (VCV002067163.1), dbSNP rs2543002770, ClinGen allele CA389866707.
Genomic context (GRCh38, chr14:58,453,383, plus strand): 5'-AATGATACTATATCTCTTCTATTTCAGGAAATGTAAGACTATTGGAACAAATTTTGAATA[A>G]TAATGATTCTTTGACAAGAAAAAGTGAATCATCAAACACCACCTCACTAACTAGGTCAAA-3'
Protein context (NP_001316872.1, residues 378-398): NVRLLEQILN[Asn388Ser]NDSLTRKSES

ClinVar aggregate classification (germline): Uncertain significance (1 of 4 stars; one submission).

Conditions:
Short-rib thoracic dysplasia 14 with polydactyly (SRTD14). Identifiers: Orphanet 397715, MedGen C4225286, MONDO:0014688, OMIM 616546.
Joubert syndrome 23 (JBTS23). Identifiers: Orphanet 475, MedGen C4084822, MONDO:0014664, OMIM 616490.

Allele frequency attached by ClinVar (database versions not stated): gnomAD exomes 0.00001.
gnomAD v4.1: 3 of 1,415,598 alleles (0.00021%); highest among the groups gnomAD compares: Middle Eastern, 0.018%; no homozygotes.

Submission:

Labcorp Genetics (formerly Invitae), Labcorp
Classification: Uncertain significance for Joubert syndrome 23; Short-rib thoracic dysplasia 14 with polydactyly. Last evaluated: 2022-01-17. Review status: criteria provided, single submitter. Criteria: Invitae Variant Classification Sherloc (09022015). Collection method: clinical testing. Allele origin: germline.
Comment: This sequence change replaces asparagine, which is neutral and polar, with serine, which is neutral and polar, at codon 441 of the KIAA0586 protein (p.Asn441Ser). This variant is not present in population databases (gnomAD no frequency). This variant has not been reported in the literature in individuals affected with KIAA0586-related conditions. Algorithms developed to predict the effect of missense changes on protein structure and function output the following: SIFT: "Tolerated"; PolyPhen-2: "Benign"; Align-GVGD: "Class C0". The serine amino acid residue is found in multiple mammalian species, which suggests that this missense change does not adversely affect protein function. In summary, the available evidence is currently insufficient to determine the role of this variant in disease. Therefore, it has been classified as a Variant of Uncertain Significance.